The following is an entry in ClinVar:

NM_001042492.3(NF1):c.6582del (p.Glu2195fs)

Gene: NF1 (neurofibromin 1; plus strand). Cytogenetic location: 17q11.2.
Variant type: Deletion.
Coding change: c.6582del on transcript NM_001042492.3 (MANE Select); coding-DNA position 6582, one base deleted (A; older notation c.6582delA).
Protein change: p.Glu2195fs; shifts the reading frame from glutamic acid 2195.
Molecular consequence: frameshift variant.
Genome position (GRCh38, 1-based): chr17:31,337,522, A deleted. VCF-style (leftmost placement, unchanged base first): chr17-31337521-GA-G. GRCh37 (hg19) VCF-style: chr17-29664539-GA-G.
Other names: c.6519delA, p.Glu2174Argfs (NM_000267.4); short protein forms E2174fs, E2195fs.
Identifiers: ClinVar variation 3252475 (VCV003252475.2), dbSNP rs2508754189.

ClinVar aggregate classification (germline): Pathogenic (1 of 4 stars; one submission).

Submission:

GeneDx
Classification: Pathogenic. Last evaluated: 2024-09-04. Review status: criteria provided, single submitter. Criteria: GeneDx Variant Classification Process June 2021. Collection method: clinical testing. Allele origin: germline.
Comment: Frameshift variant predicted to result in protein truncation or nonsense mediated decay in a gene for which loss of function is a known mechanism of disease; Not observed at significant frequency in large population cohorts (gnomAD); This variant is associated with the following publications: (PMID: 34476477)